The following is an entry in ClinVar:

ClinVar aggregate classification (germline): Uncertain significance (1 of 4 stars; one submission).

Conditions:
Neurofibromatosis, type 1 (NF1). Also called: NEUROFIBROMATOSIS, TYPE I, SOMATIC; VON RECKLINGHAUSEN DISEASE; Peripheral type neurofibromatosis; Neurofibromatosis, type I. Identifiers: Orphanet 636, MedGen C0027831, MONDO:0018975, OMIM 162200. Disease mechanism: loss of function.

Submission:

Labcorp Genetics (formerly Invitae), Labcorp
Classification: Uncertain significance for Neurofibromatosis, type 1. Last evaluated: 2020-10-05. Review status: criteria provided, single submitter. Criteria: Invitae Variant Classification Sherloc (09022015). Collection method: clinical testing. Allele origin: germline.
Comment: This variant is not present in population databases (ExAC no frequency). This sequence change replaces serine with threonine at codon 313 of the NF1 protein (p.Ser313Thr). The serine residue is highly conserved and there is a small physicochemical difference between serine and threonine. In summary, the available evidence is currently insufficient to determine the role of this variant in disease. Therefore, it has been classified as a Variant of Uncertain Significance. Advanced modeling of protein sequence and biophysical properties (such as structural, functional, and spatial information, amino acid conservation, physicochemical variation, residue mobility, and thermodynamic stability) performed at Invitae indicates that this missense variant is not expected to disrupt NF1 protein function. This variant has not been reported in the literature in individuals with NF1-related conditions.

NM_001042492.3(NF1):c.938G>C (p.Ser313Thr)

Gene: NF1 (neurofibromin 1; plus strand). Cytogenetic location: 17q11.2.
Variant type: single nucleotide variant.
Coding change: c.938G>C on transcript NM_001042492.3 (MANE Select); coding-DNA position 938, G replaced by C.
Protein change: p.Ser313Thr; replaces serine 313 with threonine.
Molecular consequence: missense variant.
Genome position (GRCh38, 1-based): chr17:31,200,471, G>C. VCF-style: chr17-31200471-G-C. GRCh37 (hg19) VCF-style: chr17-29527489-G-C.
Other names: c.938G>C, p.Ser313Thr (NM_000267.4, NM_001128147.3); short protein forms S313T.
Identifiers: ClinVar variation 1035814 (VCV001035814.5), dbSNP rs2066506773, ClinGen allele CA398995742.